The following is an entry in ClinVar:

ClinVar aggregate classification (germline): Uncertain significance (1 of 4 stars; one submission).

Submission:

Labcorp Genetics (formerly Invitae), Labcorp
Classification: Uncertain significance. Last evaluated: 2023-12-28. Review status: criteria provided, single submitter. Criteria: Invitae Variant Classification Sherloc (09022015). Collection method: clinical testing. Allele origin: germline.
Comment: This sequence change replaces threonine, which is neutral and polar, with isoleucine, which is neutral and non-polar, at codon 727 of the KIF20A protein (p.Thr727Ile). This variant is not present in population databases (gnomAD no frequency). This variant has not been reported in the literature in individuals affected with KIF20A-related conditions. Algorithms developed to predict the effect of missense changes on protein structure and function output the following: SIFT: "Not Available"; PolyPhen-2: "Benign"; Align-GVGD: "Not Available". The isoleucine amino acid residue is found in multiple mammalian species, which suggests that this missense change does not adversely affect protein function. In summary, the available evidence is currently insufficient to determine the role of this variant in disease. Therefore, it has been classified as a Variant of Uncertain Significance.

NM_005733.3(KIF20A):c.2180C>T (p.Thr727Ile)

Gene: KIF20A (kinesin family member 20A; plus strand). Cytogenetic location: 5q31.2.
Variant type: single nucleotide variant.
Coding change: c.2180C>T on transcript NM_005733.3 (MANE Select); coding-DNA position 2180, C replaced by T.
Protein change: p.Thr727Ile; replaces threonine 727 with isoleucine.
Molecular consequence: missense variant.
Genome position (GRCh38, 1-based): chr5:138,186,015, C>T. VCF-style: chr5-138186015-C-T. GRCh37 (hg19) VCF-style: chr5-137521704-C-T.
Other names: short protein forms T727I.
Identifiers: ClinVar variation 2706124 (VCV002706124.3), dbSNP rs2482190436, ClinGen allele CA361118505.